The following is an entry in ClinVar:

NM_031418.4(ANO3):c.771G>C (p.Trp257Cys)

Gene: ANO3 (anoctamin 3; plus strand). Cytogenetic location: 11p14.2.
Variant type: single nucleotide variant.
Coding change: c.771G>C on transcript NM_031418.4 (MANE Select); coding-DNA position 771, G replaced by C.
Protein change: p.Trp257Cys; replaces tryptophan 257 with cysteine.
Molecular consequence: missense variant.
Genome position (GRCh38, 1-based): chr11:26,531,238, G>C. VCF-style: chr11-26531238-G-C. GRCh37 (hg19) VCF-style: chr11-26552785-G-C.
Other names: c.954G>C, p.Trp318Cys (NM_001313726.2); c.333G>C, p.Trp111Cys (NM_001313727.2); short protein forms W111C, W257C, W318C.
Identifiers: ClinVar variation 3343704 (VCV003343704.1).

ClinVar aggregate classification (germline): Uncertain significance (1 of 4 stars; one submission).

gnomAD v4.1: 7 of 1,613,996 alleles (0.00043%); highest among the groups gnomAD compares: East Asian, 0.013%; no homozygotes.

Submission:

GeneDx
Classification: Uncertain significance. Last evaluated: 2023-05-22. Review status: criteria provided, single submitter. Criteria: GeneDx Variant Classification Process June 2021. Collection method: clinical testing. Allele origin: germline. Affected: yes.
Comment: In silico analysis supports that this missense variant has a deleterious effect on protein structure/function; Has not been previously published as pathogenic or benign to our knowledge